The following is an entry in ClinVar:

NM_017534.6(MYH2):c.332C>T (p.Ala111Val)

Genes: MYH2 (myosin heavy chain 2; minus strand), MYHAS (myosin heavy chain gene cluster antisense RNA; plus strand). Cytogenetic location: 17p13.1.
Variant type: single nucleotide variant.
Coding change: c.332C>T on transcript NM_017534.6 (MANE Select); coding-DNA position 332, C replaced by T.
Protein change: p.Ala111Val; replaces alanine 111 with valine.
Molecular consequence: missense variant.
Genome position (GRCh38, 1-based): chr17:10,547,491, G>A on the plus strand (C>T on the coding strand, the complement: MYH2 is on the minus strand). VCF-style: chr17-10547491-G-A. GRCh37 (hg19) VCF-style: chr17-10450808-G-A.
Other names: p.Ala111Val; c.332C>T, p.Ala111Val (NM_001100112.2); short protein forms A111V.
Identifiers: ClinVar variation 465935 (VCV000465935.21), dbSNP rs140468333, ClinGen allele CA8391679.
Genomic context (GRCh38, chr17:10,547,491, plus strand): 5'-GTACATGAGGATGATTATACAGAGCACTGGCAGGGGACACTCACGTAGATCATCCAGGCT[G>A]CATAACGTTCTTTGAGGTTGTACAGCACAGCAGGCTCATGCAGATGAGTCATCATGGCCA-3'
Protein context (NP_060004.3, residues 101-121): AVLYNLKERY[Ala111Val]AWMIYTYSGL

ClinVar aggregate classification (germline): Conflicting classifications of pathogenicity. Review status: criteria provided, conflicting classifications (1 of 4 stars). 7 submissions from 7 submitters: Uncertain significance (5); Likely benign (2). Last evaluated 2026-01-09.

Conditions:
Myopathy, proximal, and ophthalmoplegia (CMYO6). Also called: INCLUSION BODY MYOPATHY 3, AUTOSOMAL DOMINANT; CONGENITAL MYOPATHY 6 WITH OPHTHALMOPLEGIA; MYOPATHY WITH CONGENITAL JOINT CONTRACTURES, OPHTHALMOPLEGIA, AND RIMMED VACUOLES. Identifiers: Orphanet 363677, Orphanet 79091, MedGen C1854106, MONDO:0011577, OMIM 605637.

Allele frequency attached by ClinVar (database versions not stated): gnomAD exomes 0.00025 and 0.00040; ExAC 0.00032; ESP Exome Variant Server 0.00038; gnomAD 0.00040; 1000 Genomes Project 0.00060; 1000 Genomes Project 30x 0.00062; TOPMed 0.00065.
gnomAD v4.1: 644 of 1,614,140 alleles (0.04%); highest among the groups gnomAD compares: Middle Eastern, 0.23%; 1 homozygote.

Submissions (7):

Labcorp Genetics (formerly Invitae), Labcorp
Classification: Likely benign for Myopathy, proximal, and ophthalmoplegia. Last evaluated: 2026-01-09. Review status: criteria provided, single submitter. Criteria: Invitae Variant Classification Sherloc (09022015). Collection method: clinical testing. Allele origin: germline.

Mayo Clinic Laboratories, Mayo Clinic
Classification: Uncertain significance. Last evaluated: 2025-06-18. Review status: criteria provided, single submitter. Criteria: ACMG Guidelines, 2015. Collection method: clinical testing. Allele origin: germline. Observed: 1 variant allele.
Comment: BS1

GeneDx
Classification: Uncertain significance. Last evaluated: 2024-08-16. Review status: criteria provided, single submitter. Criteria: GeneDx Variant Classification Process June 2021. Collection method: clinical testing. Allele origin: germline.
Comment: In silico analysis supports that this missense variant has a deleterious effect on protein structure/function; Has not been previously published as pathogenic or benign to our knowledge

Blueprint Genetics
Classification: Likely benign. Last evaluated: 2024-06-19. Review status: criteria provided, single submitter. Criteria: ACMG Guidelines, 2015. Collection method: clinical testing. Allele origin: germline.

Athena Diagnostics
Classification: Uncertain significance. Last evaluated: 2024-06-11. Review status: criteria provided, single submitter. Criteria: Athena Diagnostics Criteria. Collection method: clinical testing. Allele origin: unknown.
Comment: Available data are insufficient to determine the clinical significance of the variant at this time. The frequency of this variant in the general population is uninformative in assessment of its pathogenicity. Polyphen and MutationTaster predict this amino acid change may be benign.

Revvity Omics, Revvity
Classification: Uncertain significance for Myopathy, proximal, and ophthalmoplegia. Last evaluated: 2019-08-02. Review status: criteria provided, single submitter. Criteria: ACMG Guidelines, 2015. Collection method: clinical testing. Allele origin: germline.

Eurofins Ntd Llc (ga)
Classification: Uncertain significance. Last evaluated: 2016-12-28. Review status: criteria provided, single submitter. Criteria: EGL Classification Definitions 2015. Collection method: clinical testing. Allele origin: germline. Observed: 1 variant allele, 1 heterozygote.

Literature cited by the submitters: PubMed 30325262 (cited by Mayo Clinic Laboratories, Mayo Clinic and Athena Diagnostics); PubMed 29590070 (cited by Athena Diagnostics).